The following is an entry in ClinVar:

NM_030962.4(SBF2):c.402+11_402+21del

Gene: SBF2 (SET binding factor 2; minus strand). Cytogenetic location: 11p15.4.
Variant type: Deletion.
Coding change: c.402+11_402+21del on transcript NM_030962.4 (MANE Select); bases 11 to 21 of the intron after coding-DNA position 402, 11 bases deleted (CATAGTTATCA).
Molecular consequence: intron variant.
Genome position (GRCh38, 1-based): chr11:10,031,027-10,031,037, TGATAACTATG deleted on the plus strand (CATAGTTATCA on the coding strand, the reverse complement: SBF2 is on the minus strand); deleting any 11 consecutive bases within chr11:10,031,027-10,031,039 gives the same sequence; the c. name uses the placement nearest the transcript's 3' end. VCF-style (leftmost placement, unchanged base first): chr11-10031026-ATGATAACTATG-A. GRCh37 (hg19) VCF-style: chr11-10052573-ATGATAACTATG-A.
Other names: c.402+11_402+21del (NM_001386342.1, NM_001386339.1).
Identifiers: ClinVar variation 2199641 (VCV002199641.1), dbSNP rs1296525355, ClinGen allele CA597565514.

ClinVar aggregate classification (germline): Uncertain significance (1 of 4 stars; one submission).

Conditions:
Charcot-Marie-Tooth disease type 4. Also called: Charcot-Marie-Tooth, Type 4; Charcot-Marie-Tooth disease, type IV. Identifiers: Orphanet 64749, MedGen C4082197, MONDO:0018995.

Submission:

Labcorp Genetics (formerly Invitae), Labcorp
Classification: Uncertain significance for Charcot-Marie-Tooth disease type 4. Last evaluated: 2022-05-20. Review status: criteria provided, single submitter. Criteria: Invitae Variant Classification Sherloc (09022015). Collection method: clinical testing. Allele origin: germline.
Comment: This sequence change falls in intron 4 of the SBF2 gene. It does not directly change the encoded amino acid sequence of the SBF2 protein. This variant is present in population databases (no rsID available, gnomAD 0.002%). This variant has not been reported in the literature in individuals affected with SBF2-related conditions. Algorithms developed to predict the effect of sequence changes on RNA splicing suggest that this variant may disrupt the consensus splice site. In summary, the available evidence is currently insufficient to determine the role of this variant in disease. Therefore, it has been classified as a Variant of Uncertain Significance.